The following is an entry in ClinVar:

ClinVar aggregate classification (germline): Benign. Review status: criteria provided, multiple submitters, no conflicts (2 of 4 stars). 2 submissions from 2 submitters: Benign (2). Last evaluated 2018-01-13.

Conditions:
Aicardi-Goutieres syndrome 3. Identifiers: Orphanet 51, MedGen C1835916, MONDO:0012471, OMIM 610329.

Allele frequency attached by ClinVar (database versions not stated): TOPMed 0.03058; 1000 Genomes Project 30x 0.01405; gnomAD exomes 0.02632; gnomAD 0.03090 and 0.03137; 1000 Genomes Project 0.01398.
gnomAD v4.1: 4,692 of 152,830 alleles (3.1%); highest among the groups gnomAD compares: Non-Finnish European, 4.6%; 98 homozygotes.

Submissions (2):

Illumina Laboratory Services, Illumina
Classification: Benign for Aicardi-Goutieres syndrome 3. Last evaluated: 2018-01-13. Review status: criteria provided, single submitter. Criteria: ICSL Variant Classification Criteria 13 December 2019. Collection method: clinical testing. Allele origin: germline.
Comment: This variant was observed in the ICSL laboratory as part of a predisposition screen in an ostensibly healthy population. It had not been previously curated by ICSL or reported in the Human Gene Mutation Database (HGMD: prior to June 1st, 2018), and was therefore a candidate for classification through an automated scoring system. Utilizing variant allele frequency, disease prevalence and penetrance estimates, and inheritance mode, an automated score was calculated to assess if this variant is too frequent to cause the disease. Based on the score and internal cut-off values, a variant classified as benign is not then subjected to further curation. The score for this variant resulted in a classification of benign for this disease.

Breakthrough Genomics
Classification: Benign. Review status: criteria provided, single submitter. Criteria: ACMG Guidelines, 2015. Collection method: not provided. Allele origin: germline. Inheritance: Autosomal recessive inheritance. Affected: yes.

NM_032193.4(RNASEH2C):c.*2097C>T

Genes: KAT5 (lysine acetyltransferase 5; plus strand), RNASEH2C (ribonuclease H2 subunit C; minus strand). Cytogenetic location: 11q13.1.
Variant type: single nucleotide variant.
Coding change: c.*2097C>T on transcript NM_032193.4 (MANE Select); 2097 bases downstream of the stop codon, C replaced by T.
Molecular consequence: 3 prime UTR variant. On other transcripts: intron variant (4).
Genome position (GRCh38, 1-based): chr11:65,717,686, G>A on the plus strand (C>T on the coding strand, the complement: RNASEH2C is on the minus strand). VCF-style: chr11-65717686-G-A. GRCh37 (hg19) VCF-style: chr11-65485157-G-A.
Other names: c.1264+704G>A (NM_182710.3); c.1108+704G>A (NM_001206833.2); c.1165+704G>A (NM_006388.4); c.1009+704G>A (NM_182709.3).
Identifiers: ClinVar variation 305321 (VCV000305321.6), dbSNP rs4645934, ClinGen allele CA10639647.